The following is an entry in ClinVar:

ClinVar aggregate classification (germline): Uncertain significance. Review status: criteria provided, multiple submitters, no conflicts (2 of 4 stars). 11 submissions from 11 submitters: Uncertain significance (10). 1 of the submissions does not count toward it. Last evaluated 2025-05-27.

Conditions:
PRICKLE1-related disorder. Also called: PRICKLE1-related condition; PRICKLE1-Related Disorders. Identifiers: MedGen CN381536.
Epilepsy, progressive myoclonic, 1B. Also called: PME. Identifiers: Orphanet 308, MedGen C2676254, MONDO:0012904, OMIM 612437.

Allele frequency attached by ClinVar (database versions not stated): ExAC 0.00008; gnomAD 0.00009 and 0.00010; TOPMed 0.00011; gnomAD exomes 0.00012 and 0.00016; 1000 Genomes Project 30x 0.00016; 1000 Genomes Project 0.00020.
gnomAD v4.1: 245 of 1,613,156 alleles (0.015%); highest among the groups gnomAD compares: Admixed American, 0.039%; no homozygotes.

Submissions (11):

PreventionGenetics, part of Exact Sciences
Classification: Uncertain significance for PRICKLE1-related condition. Last evaluated: 2025-05-27. Review status: criteria provided, single submitter. Criteria: ACMG Guidelines, 2015. Collection method: clinical testing. Allele origin: germline.
Comment: The PRICKLE1 c.824C>T variant is predicted to result in the amino acid substitution p.Thr275Met. This variant was reported as possibly damaging in an individual with lumbosacral myelomeningocele, hydrocephalus, Chiari type II malformation, and tethered cord (Bosoi et al. 2011. PubMed ID: 21901791). This variant is reported in 0.037% of alleles in individuals of Latino descent in gnomAD. At this time, the clinical significance of this variant is uncertain due to the absence of conclusive functional and genetic evidence.

Athena Diagnostics
Classification: Uncertain significance. Last evaluated: 2025-04-16. Review status: criteria provided, single submitter. Criteria: Athena Diagnostics Criteria. Collection method: clinical testing. Allele origin: unknown.
Comment: Available data are insufficient to determine the clinical significance of the variant at this time. The frequency of this variant in the general population is uninformative in assessment of its pathogenicity. Assessment of experimental evidence regarding the effect of this variant on protein function is inconclusive (PMID: 21901791).

Blueprint Genetics
Classification: Uncertain significance. Last evaluated: 2024-08-19. Review status: criteria provided, single submitter. Criteria: ACMG Guidelines, 2015. Collection method: clinical testing. Allele origin: germline.

Women's Health and Genetics/Laboratory Corporation of America, LabCorp
Classification: Uncertain significance. Last evaluated: 2023-08-10. Review status: criteria provided, single submitter. Criteria: LabCorp Variant Classification Summary - May 2015. Collection method: clinical testing. Allele origin: germline.
Comment: Variant summary: PRICKLE1 c.824C>T (p.Thr275Met) results in a non-conservative amino acid change located in the LIM3 prickle domain (IPR033727) of the encoded protein sequence. Five of five in-silico tools predict a damaging effect of the variant on protein function. The variant allele was found at a frequency of 0.00012 in 248256 control chromosomes (gnomAD). c.824C>T has been reported in the literature in at least one individual affected with Neural tube defects (Bosoi_2011). This report does not provide unequivocal conclusions about association of the variant with Epilepsy, progressive myoclonic, 1B. To our knowledge, no experimental evidence demonstrating an impact on protein function has been reported. The following publication has been ascertained in the context of this evaluation (PMID: 21901791). Six ClinVar submitters have assessed the variant since 2014, and all submitters classified the variant as uncertain significance. Based on the evidence outlined above, the variant was classified as uncertain significance.

Labcorp Genetics (formerly Invitae), Labcorp
Classification: Uncertain significance for Epilepsy, progressive myoclonic, 1B. Last evaluated: 2022-10-05. Review status: criteria provided, single submitter. Criteria: Invitae Variant Classification Sherloc (09022015). Collection method: clinical testing. Allele origin: germline.
Comment: This sequence change replaces threonine, which is neutral and polar, with methionine, which is neutral and non-polar, at codon 275 of the PRICKLE1 protein (p.Thr275Met). This variant is present in population databases (rs559947948, gnomAD 0.04%). This missense change has been observed in individual(s) with neural tube defects (PMID: 21901791). ClinVar contains an entry for this variant (Variation ID: 180205). Advanced modeling of protein sequence and biophysical properties (such as structural, functional, and spatial information, amino acid conservation, physicochemical variation, residue mobility, and thermodynamic stability) has been performed at Invitae for this missense variant, however the output from this modeling did not meet the statistical confidence thresholds required to predict the impact of this variant on PRICKLE1 protein function. In summary, the available evidence is currently insufficient to determine the role of this variant in disease. Therefore, it has been classified as a Variant of Uncertain Significance.

Ambry Genetics
Classification: Uncertain significance. Last evaluated: 2021-10-06. Review status: criteria provided, single submitter. Criteria: Ambry Variant Classification Scheme 2023. Collection method: clinical testing. Allele origin: germline.

Fulgent Genetics
Classification: Uncertain significance for Epilepsy, progressive myoclonic, 1B. Last evaluated: 2018-10-31. Review status: criteria provided, single submitter. Criteria: ACMG Guidelines, 2015. Collection method: clinical testing. Allele origin: unknown.

GeneDx
Classification: Uncertain significance. Last evaluated: 2018-06-25. Review status: criteria provided, single submitter. Criteria: GeneDx Variant Classification (06012015). Collection method: clinical testing. Allele origin: germline. Affected: yes.
Comment: A variant of uncertain significance has been identified in the PRICKLE1 gene. The T275M variant has been reported previously in an individual with lumbosacral myelomeningocele, hydrocephalus, Chiari type II malformation, and tethered cord (Bosoi et al., 2011). However, this variant has not been reported in association with epilepsy. The T275M variant is observed in 13/34074 (0.04%) alleles from individuals of Latino background in large population cohorts (Lek et al., 2016). The T275M variant is a non-conservative amino acid substitution, which is likely to impact secondary protein structure as these residues differ in polarity, charge, size and/or other properties. In-silico analyses, including protein predictors and evolutionary conservation, support a deleterious effect. Therefore, based on the currently available information, it is unclear whether this variant is a pathogenic variant or a rare benign variant.

Eurofins Ntd Llc (ga)
Classification: Uncertain significance. Last evaluated: 2016-03-25. Review status: criteria provided, single submitter. Criteria: EGL Classification Definitions 2015. Collection method: clinical testing. Allele origin: germline. Observed: 1 variant allele, 1 heterozygote.

Breakthrough Genomics
Classification: Uncertain significance. Review status: criteria provided, single submitter. Criteria: ACMG Guidelines, 2015. Collection method: not provided. Allele origin: germline. Inheritance: Autosomal recessive inheritance. Affected: yes.

Mendelics
Classification: Uncertain significance for Epilepsy, progressive myoclonic, 1B. Last evaluated: 2022-08-12. Review status: no assertion criteria provided. Collection method: clinical testing. Allele origin: biparental. Affected: yes. Not counted in ClinVar's aggregate classification.

Literature cited by the submitters: PubMed 21901791 (cited by 3 submitters); PubMed 39509559 (cited by Athena Diagnostics); PubMed 31440721 (cited by Athena Diagnostics); PubMed 20301774 (cited by Mendelics).

NM_153026.3(PRICKLE1):c.824C>T (p.Thr275Met)

Genes: PRICKLE1 (prickle planar cell polarity protein 1; minus strand), LOC126861509 (BRD4-independent group 4 enhancer GRCh37_chr12:42858567-42859766; plus strand). Cytogenetic location: 12q12.
Variant type: single nucleotide variant.
Coding change: c.824C>T on transcript NM_153026.3 (MANE Select); coding-DNA position 824, C replaced by T.
Protein change: p.Thr275Met; replaces threonine 275 with methionine.
Molecular consequence: missense variant.
Genome position (GRCh38, 1-based): chr12:42,465,210, G>A on the plus strand (C>T on the coding strand, the complement: PRICKLE1 is on the minus strand). VCF-style: chr12-42465210-G-A. GRCh37 (hg19) VCF-style: chr12-42859012-G-A.
Other names: p.T275M:ACG>ATG; c.824C>T, p.Thr275Met (NM_001144881.2, NM_001144882.2, NM_001144883.2); short protein forms T275M.
Identifiers: ClinVar variation 180205 (VCV000180205.22), dbSNP rs559947948, ClinGen allele CA273723.
Genomic context (GRCh38, chr12:42,465,210, plus strand): 5'-GGAAGGAAGGGACATCCCAACAAAGAGGCTTTACACTGGGCACAAGAAAAGCAGGCTTCC[G>A]TGGCGTGCCAGTGCTGCCCGTCATAGGTCATCTGTGCATGGTCCACACCTGTTTTGAAAA-3'
Protein context (NP_694571.2, residues 265-285): MTYDGQHWHA[Thr275Met]EACFSCAQCK